The following is an entry in ClinVar:

ClinVar aggregate classification (germline): Uncertain significance. Review status: criteria provided, multiple submitters, no conflicts (2 of 4 stars). 2 submissions from 2 submitters: Uncertain significance (2). Last evaluated 2026-03-01.

Conditions:
Mucolipidosis type II. Also called: Mucolipidosis 2; ML 2; Inclusion cell disease; Leroy Disease; N-acetylglucosamine 1phosphotransferase deficiency; ML disorder type 2. Identifiers: Orphanet 576, MedGen C2673377, MONDO:0009650, OMIM 252500.
Pseudo-Hurler polydystrophy. Also called: ML IIIA; Mucolipidosis III Alpha/Beta; Type III Mucolipidosis; MUCOLIPIDOSIS IIIA; ML III; ML III ALPHA/BETA. Identifiers: Orphanet 423461, Orphanet 577, MedGen C0033788, MONDO:0018931, OMIM 252600.

Allele frequency attached by ClinVar (database versions not stated): gnomAD exomes below 0.00001; gnomAD 0.00001; TOPMed 0.00001.
gnomAD v4.1: 4 of 1,612,964 alleles (0.00025%); highest among the groups gnomAD compares: Non-Finnish European, 0.00034%; no homozygotes.

Submissions (2):

CeGaT Center for Human Genetics Tuebingen
Classification: Uncertain significance. Last evaluated: 2026-03-01. Review status: criteria provided, single submitter. Criteria: CeGaT Center For Human Genetics Tuebingen Variant Classification Criteria Version 2. Collection method: clinical testing. Allele origin: germline. Affected: yes. Observed: 1 variant allele.
Comment: GNPTAB: PM2

Labcorp Genetics (formerly Invitae), Labcorp
Classification: Uncertain significance for Pseudo-Hurler polydystrophy; Mucolipidosis type II. Last evaluated: 2022-05-04. Review status: criteria provided, single submitter. Criteria: Invitae Variant Classification Sherloc (09022015). Collection method: clinical testing. Allele origin: germline.
Comment: This sequence change replaces valine, which is neutral and non-polar, with alanine, which is neutral and non-polar, at codon 365 of the GNPTAB protein (p.Val365Ala). This variant is not present in population databases (gnomAD no frequency). This variant has not been reported in the literature in individuals affected with GNPTAB-related conditions. Algorithms developed to predict the effect of missense changes on protein structure and function (SIFT, PolyPhen-2, Align-GVGD) all suggest that this variant is likely to be disruptive. In summary, the available evidence is currently insufficient to determine the role of this variant in disease. Therefore, it has been classified as a Variant of Uncertain Significance.

NM_024312.5(GNPTAB):c.1094T>C (p.Val365Ala)

Gene: GNPTAB (N-acetylglucosamine-1-phosphate transferase subunits alpha and beta; minus strand). Cytogenetic location: 12q23.2.
Variant type: single nucleotide variant.
Coding change: c.1094T>C on transcript NM_024312.5 (MANE Select); coding-DNA position 1094, T replaced by C.
Protein change: p.Val365Ala; replaces valine 365 with alanine.
Molecular consequence: missense variant.
Genome position (GRCh38, 1-based): chr12:101,770,425, A>G on the plus strand (T>C on the coding strand, the complement: GNPTAB is on the minus strand). VCF-style: chr12-101770425-A-G. GRCh37 (hg19) VCF-style: chr12-102164203-A-G.
Other names: short protein forms V365A.
Identifiers: ClinVar variation 2076770 (VCV002076770.5), dbSNP rs1232693344, ClinGen allele CA386302969.